The following is an entry in ClinVar:

NM_020778.5(ALPK3):c.2696C>A (p.Pro899His)

Gene: ALPK3 (alpha kinase 3; plus strand). Cytogenetic location: 15q25.3.
Variant type: single nucleotide variant.
Coding change: c.2696C>A on transcript NM_020778.5 (MANE Select); coding-DNA position 2696, C replaced by A.
Protein change: p.Pro899His; replaces proline 899 with histidine.
Molecular consequence: missense variant.
Genome position (GRCh38, 1-based): chr15:84,857,434, C>A. VCF-style: chr15-84857434-C-A. GRCh37 (hg19) VCF-style: chr15-85400665-C-A.
Other names: short protein forms P899H.
Identifiers: ClinVar variation 3227468 (VCV003227468.1), dbSNP rs551727878, ClinGen allele CA393358061.
Genomic context (GRCh38, chr15:84,857,434, plus strand): 5'-CAAAGGCGGGGCCGTGTAGCACCCCGACTTCTCAGCACGGGAGCACAGCCACCTTCCTGC[C>A]CTCTGAGGATCAGGTCCTGATGAGTTCTGCCCCAACACTGCACCTGGGGCTGGGGACCCC-3'
Protein context (NP_065829.4, residues 889-909): SQHGSTATFL[Pro899His]SEDQVLMSSA

ClinVar aggregate classification (germline): Uncertain significance (1 of 4 stars; one submission).

Conditions:
Cardiovascular phenotype. Identifiers: MedGen CN230736.

Submission:

Ambry Genetics
Classification: Uncertain significance for Cardiovascular phenotype. Last evaluated: 2023-12-23. Review status: criteria provided, single submitter. Criteria: Ambry Variant Classification Scheme 2023. Collection method: clinical testing. Allele origin: germline.
Comment: The p.P1101H variant (also known as c.3302C>A), located in coding exon 6 of the ALPK3 gene, results from a C to A substitution at nucleotide position 3302. The proline at codon 1101 is replaced by histidine, an amino acid with similar properties. This amino acid position is conserved. In addition, the in silico prediction for this alteration is inconclusive. Since supporting evidence is limited at this time, the clinical significance of this alteration remains unclear.